The following is an entry in ClinVar:

NM_000093.5(COL5A1):c.2286+223G>C

Gene: COL5A1 (collagen type V alpha 1 chain; plus strand). Cytogenetic location: 9q34.3.
Variant type: single nucleotide variant.
Coding change: c.2286+223G>C on transcript NM_000093.5 (MANE Select); 223 bases into the intron after coding-DNA position 2286, G replaced by C.
Molecular consequence: intron variant.
Genome position (GRCh38, 1-based): chr9:134,768,686, G>C. VCF-style: chr9-134768686-G-C. GRCh37 (hg19) VCF-style: chr9-137660532-G-C.
Other names: c.2286+223G>C (NM_001278074.1).
Identifiers: ClinVar variation 678518 (VCV000678518.1), dbSNP rs72774437, ClinGen allele CA201095319.

ClinVar aggregate classification (germline): Likely benign (1 of 4 stars; one submission).

Allele frequency attached by ClinVar (database versions not stated): TOPMed 0.02470; gnomAD 0.02606 and 0.02626; 1000 Genomes Project 0.03215; 1000 Genomes Project 30x 0.03310.
gnomAD v4.1: 3,984 of 152,344 alleles (2.6%); highest among the groups gnomAD compares: East Asian, 5.2%; 51 homozygotes.

Submission:

GeneDx
Classification: Likely benign. Last evaluated: 2018-06-19. Review status: criteria provided, single submitter. Criteria: GeneDx Variant Classification (06012015). Collection method: clinical testing. Allele origin: germline. Affected: yes.
Comment: This variant is considered likely benign or benign based on one or more of the following criteria: it is a conservative change, it occurs at a poorly conserved position in the protein, it is predicted to be benign by multiple in silico algorithms, and/or has population frequency not consistent with disease.